The following is an entry in ClinVar:

ClinVar aggregate classification (germline): Uncertain significance (1 of 4 stars; one submission).

Conditions:
Frontotemporal dementia and/or amyotrophic lateral sclerosis 6 (FTDALS6). Also called: VCP-Related Amyotrophic Lateral Sclerosis/Frontotemporal Dementia; VCP-Related Amyotrophic Lateral Sclerosis. Identifiers: Orphanet 275872, Orphanet 803, MedGen C5436279, MONDO:0013501, OMIM 613954.
Inclusion body myopathy with Paget disease of bone and frontotemporal dementia. Also called: Inclusion body myopathy with early-onset Paget disease and frontotemporal dementia. Identifiers: Orphanet 52430, MedGen C1833662, MONDO:0000507.

Allele frequency attached by ClinVar (database versions not stated): gnomAD exomes below 0.00001.

Submission:

Labcorp Genetics (formerly Invitae), Labcorp
Classification: Uncertain significance for Inclusion body myopathy with Paget disease of bone and frontotemporal dementia; Frontotemporal dementia and/or amyotrophic lateral sclerosis 6. Last evaluated: 2025-11-17. Review status: criteria provided, single submitter. Criteria: Invitae Variant Classification Sherloc (09022015). Collection method: clinical testing. Allele origin: germline.
Comment: This sequence change replaces arginine, which is basic and polar, with glutamine, which is neutral and polar, at codon 256 of the VCP protein (p.Arg256Gln). This variant is not present in population databases (gnomAD no frequency). This variant has not been reported in the literature in individuals affected with VCP-related conditions. ClinVar contains an entry for this variant (Variation ID: 946240). Invitae Evidence Modeling of protein sequence and biophysical properties (such as structural, functional, and spatial information, amino acid conservation, physicochemical variation, residue mobility, and thermodynamic stability) indicates that this missense variant is not expected to disrupt VCP protein function with a negative predictive value of 80%. In summary, the available evidence is currently insufficient to determine the role of this variant in disease. Therefore, it has been classified as a Variant of Uncertain Significance.

NM_007126.5(VCP):c.767G>A (p.Arg256Gln)

Gene: VCP (valosin containing protein; minus strand). Cytogenetic location: 9p13.3.
Variant type: single nucleotide variant.
Coding change: c.767G>A on transcript NM_007126.5 (MANE Select); coding-DNA position 767, G replaced by A.
Protein change: p.Arg256Gln; replaces arginine 256 with glutamine.
Molecular consequence: missense variant.
Genome position (GRCh38, 1-based): chr9:35,063,022, C>T on the plus strand (G>A on the coding strand, the complement: VCP is on the minus strand). VCF-style: chr9-35063022-C-T. GRCh37 (hg19) VCF-style: chr9-35063019-C-T.
Other names: c.632G>A, p.Arg211Gln (NM_001354927.2, NM_001354928.2); short protein forms R256Q, R211Q.
Identifiers: ClinVar variation 946240 (VCV000946240.2), dbSNP rs1828757317, ClinGen allele CA373286433.